The following is an entry in ClinVar:

NM_021971.4(GMPPB):c.247C>A (p.Pro83Thr)

Genes: GMPPB (GDP-mannose pyrophosphorylase B; minus strand), LOC129936764 (ATAC-STARR-seq lymphoblastoid active region 19874; plus strand). Cytogenetic location: 3p21.31.
Variant type: single nucleotide variant.
Coding change: c.247C>A on transcript NM_021971.4 (MANE Select); coding-DNA position 247, C replaced by A.
Protein change: p.Pro83Thr; replaces proline 83 with threonine.
Molecular consequence: missense variant.
Genome position (GRCh38, 1-based): chr3:49,723,266, G>T on the plus strand (C>A on the coding strand, the complement: GMPPB is on the minus strand). VCF-style: chr3-49723266-G-T. GRCh37 (hg19) VCF-style: chr3-49760699-G-T.
Other names: c.247C>A, p.Pro83Thr (NM_013334.4); c.247C>A (NM_013334.2); short protein forms P83T.
Identifiers: ClinVar variation 1678690 (VCV001678690.3), dbSNP rs2080451480, ClinGen allele CA352830074.

ClinVar aggregate classification (germline): Uncertain significance. Review status: criteria provided, multiple submitters, no conflicts (2 of 4 stars). 2 submissions from 2 submitters: Uncertain significance (2). Last evaluated 2024-05-23.

Conditions:
Inborn genetic diseases. Identifiers: MedGen C0950123, MeSH D030342.

gnomAD v4.1: 1 of 1,614,102 alleles (0.000062%); no homozygotes.

Submissions (2):

Ambry Genetics
Classification: Uncertain significance for Inborn genetic diseases. Last evaluated: 2024-05-23. Review status: criteria provided, single submitter. Criteria: Ambry Variant Classification Scheme 2023. Collection method: clinical testing. Allele origin: germline.

GeneDx
Classification: Uncertain significance. Last evaluated: 2021-10-21. Review status: criteria provided, single submitter. Criteria: GeneDx Variant Classification Process June 2021. Collection method: clinical testing. Allele origin: germline. Affected: yes.
Comment: Not observed at significant frequency in large population cohorts (gnomAD); In silico analysis supports that this missense variant has a deleterious effect on protein structure/function; Has not been previously published as pathogenic or benign to our knowledge; This variant is associated with the following publications: (PMID: 26133662)